The following is an entry in ClinVar:

ClinVar aggregate classification (germline): Uncertain significance (1 of 4 stars; one submission).

gnomAD v4.1: 2 of 1,605,768 alleles (0.00012%); highest among the groups gnomAD compares: Non-Finnish European, 0.00017%; no homozygotes.

Submission:

Labcorp Genetics (formerly Invitae), Labcorp
Classification: Uncertain significance. Last evaluated: 2025-07-21. Review status: criteria provided, single submitter. Criteria: Invitae Variant Classification Sherloc (09022015). Collection method: clinical testing. Allele origin: germline.
Comment: This sequence change replaces aspartic acid, which is acidic and polar, with glutamic acid, which is acidic and polar, at codon 1376 of the AHDC1 protein (p.Asp1376Glu). This variant is not present in population databases (gnomAD no frequency). This variant has not been reported in the literature in individuals affected with AHDC1-related conditions. An algorithm developed to predict the effect of missense changes on protein structure and function (PolyPhen-2) suggests that this variant is likely to be disruptive. In summary, the available evidence is currently insufficient to determine the role of this variant in disease. Therefore, it has been classified as a Variant of Uncertain Significance.

NM_001371928.1(AHDC1):c.4128T>A (p.Asp1376Glu)

Gene: AHDC1 (AT-hook DNA binding motif containing 1; minus strand). Cytogenetic location: 1p36.11.
Variant type: single nucleotide variant.
Coding change: c.4128T>A on transcript NM_001371928.1 (MANE Select); coding-DNA position 4128, T replaced by A.
Protein change: p.Asp1376Glu; replaces aspartic acid 1376 with glutamic acid.
Molecular consequence: missense variant.
Genome position (GRCh38, 1-based): chr1:27,547,988, A>T on the plus strand (T>A on the coding strand, the complement: AHDC1 is on the minus strand). VCF-style: chr1-27547988-A-T. GRCh37 (hg19) VCF-style: chr1-27874499-A-T.
Other names: c.4128T>A, p.Asp1376Glu (NM_001029882.3); short protein forms D1376E.
Identifiers: ClinVar variation 4723596 (VCV004723596.1).